The following is an entry in ClinVar:

NM_000038.6(APC):c.646-4302A>C

Gene: APC (APC regulator of WNT signaling pathway; plus strand). Cytogenetic location: 5q22.2.
Variant type: single nucleotide variant.
Coding change: c.646-4302A>C on transcript NM_000038.6 (MANE Select); 4302 bases into the intron before coding-DNA position 646, A replaced by C.
Molecular consequence: intron variant.
Genome position (GRCh38, 1-based): chr5:112,788,144, A>C. VCF-style: chr5-112788144-A-C. GRCh37 (hg19) VCF-style: chr5-112123841-A-C.
Other names: c.646-4302A>C (NM_001354895.2, NM_001127510.3, NM_001354896.2 and 1 more transcripts); c.676-4302A>C (NM_001354897.2, NM_001354902.2); c.675+7241A>C (NM_001127511.3); c.571-4302A>C (NM_001354898.2, NM_001354904.2); c.-390-4302A>C (NM_001354906.2); c.645+7241A>C (NM_001354899.2); c.469-4302A>C (NM_001354900.2, NM_001354901.2, NM_001354905.2).
Identifiers: ClinVar variation 82465 (VCV000082465.2), dbSNP rs74983697, ClinGen allele CA011933.

ClinVar aggregate classification (germline): other (0 of 4 stars; one submission).

Conditions:
Familial colorectal cancer. Identifiers: MedGen CN280943, MONDO:0023113. Disease mechanism: loss of function.

Submission:

Systems Biology Platform Zhejiang California International NanoSystems Institute
Classification: other for Familial colorectal cancer. Review status: no assertion criteria provided. Collection method: not provided. Allele origin: unknown.
ClinVar note: Converted during submission from cancer to other.